The following is an entry in ClinVar:

ClinVar aggregate classification (germline): Uncertain significance (1 of 4 stars; one submission).

Conditions:
Hereditary cancer-predisposing syndrome. Also called: Hereditary neoplastic syndrome; Neoplastic Syndromes, Hereditary; Tumor predisposition; Hereditary Cancer Syndrome. Identifiers: Orphanet 140162, MedGen C0027672, MeSH D009386, MONDO:0015356.

Submission:

Ambry Genetics
Classification: Uncertain significance for Hereditary cancer-predisposing syndrome. Last evaluated: 2025-08-27. Review status: criteria provided, single submitter. Criteria: Ambry Variant Classification Scheme 2023. Collection method: clinical testing. Allele origin: germline.
Comment: The p.A175T variant (also known as c.523G>A), located in coding exon 7 of the MUTYH gene, results from a G to A substitution at nucleotide position 523. The alanine at codon 175 is replaced by threonine, an amino acid with similar properties. This amino acid position is conserved. In addition, the in silico prediction for this alteration is inconclusive. Based on the available evidence, the clinical significance of this variant remains unclear.

NM_001048174.2(MUTYH):c.439G>A (p.Ala147Thr)

Gene: MUTYH (mutY DNA glycosylase; minus strand). Cytogenetic location: 1p34.1.
Variant type: single nucleotide variant.
Coding change: c.439G>A on transcript NM_001048174.2 (MANE Select); coding-DNA position 439, G replaced by A.
Protein change: p.Ala147Thr; replaces alanine 147 with threonine.
Molecular consequence: missense variant. On other transcripts: non-coding transcript variant (7).
Genome position (GRCh38, 1-based): chr1:45,332,816, C>T on the plus strand (G>A on the coding strand, the complement: MUTYH is on the minus strand). VCF-style: chr1-45332816-C-T. GRCh37 (hg19) VCF-style: chr1-45798488-C-T.
Other names: c.442G>A, p.Ala148Thr (NM_001407086.1, NM_001407071.1, NM_001048172.2 and 1 more transcripts); c.460G>A, p.Ala154Thr (NM_001407087.1); c.439G>A, p.Ala147Thr (NM_001407088.1, NM_001407089.1, NM_001293195.2 and 6 more transcripts); c.163G>A, p.Ala55Thr (NM_001407091.1, NM_001293192.2, NM_001293196.2); c.514G>A, p.Ala172Thr (NM_012222.3); c.472G>A, p.Ala158Thr (NM_001293191.2, NM_001407069.1, NM_001407077.1); c.94G>A, p.Ala32Thr (NM_001350650.2, NM_001350651.2, NM_001407082.1); c.481G>A, p.Ala161Thr (NM_001407085.1, NM_001407083.1); and 5 more; short protein forms A133T, A147T, A55T, A134T, A148T, A175T, A158T, A119T.
Identifiers: ClinVar variation 4113714 (VCV004113714.1).